The following is an entry in ClinVar:

NM_005120.3(MED12):c.5641A>G (p.Thr1881Ala)

Gene: MED12 (mediator complex subunit 12; plus strand). Cytogenetic location: Xq13.1.
Variant type: single nucleotide variant.
Coding change: c.5641A>G on transcript NM_005120.3 (MANE Select); coding-DNA position 5641, A replaced by G.
Protein change: p.Thr1881Ala; replaces threonine 1881 with alanine.
Molecular consequence: missense variant.
Genome position (GRCh38, 1-based): chrX:71,137,276, A>G. VCF-style: chrX-71137276-A-G. GRCh37 (hg19) VCF-style: chrX-70357126-A-G.
Other names: short protein forms T1881A.
Identifiers: ClinVar variation 1312380 (VCV001312380.3), dbSNP rs2147829238, ClinGen allele CA413536924.

ClinVar aggregate classification (germline): Uncertain significance. Review status: criteria provided, multiple submitters, no conflicts (2 of 4 stars). 2 submissions from 2 submitters: Uncertain significance (2). Last evaluated 2025-04-08.

Conditions:
FG syndrome (FGS). Identifiers: MedGen C0220769, MONDO:0002010.

Submissions (2):

Labcorp Genetics (formerly Invitae), Labcorp
Classification: Uncertain significance for FG syndrome. Last evaluated: 2025-04-08. Review status: criteria provided, single submitter. Criteria: Invitae Variant Classification Sherloc (09022015). Collection method: clinical testing. Allele origin: germline.
Comment: This sequence change replaces threonine, which is neutral and polar, with alanine, which is neutral and non-polar, at codon 1881 of the MED12 protein (p.Thr1881Ala). This variant is not present in population databases (gnomAD no frequency). This variant has not been reported in the literature in individuals affected with MED12-related conditions. ClinVar contains an entry for this variant (Variation ID: 1312380). Invitae Evidence Modeling of protein sequence and biophysical properties (such as structural, functional, and spatial information, amino acid conservation, physicochemical variation, residue mobility, and thermodynamic stability) indicates that this missense variant is not expected to disrupt MED12 protein function with a negative predictive value of 95%. In summary, the available evidence is currently insufficient to determine the role of this variant in disease. Therefore, it has been classified as a Variant of Uncertain Significance.

GeneDx
Classification: Uncertain significance. Last evaluated: 2019-09-24. Review status: criteria provided, single submitter. Criteria: GeneDx Variant Classification Process June 2021. Collection method: clinical testing. Allele origin: germline. Affected: yes.
Comment: Has not been previously published as pathogenic or benign to our knowledge; Not observed in large population cohorts (Lek et al., 2016); In silico analysis, which includes protein predictors and evolutionary conservation, supports a deleterious effect